The following is an entry in ClinVar:

ClinVar aggregate classification (germline): Uncertain significance. Review status: criteria provided, multiple submitters, no conflicts (2 of 4 stars). 2 submissions from 2 submitters: Uncertain significance (2). Last evaluated 2025-10-07.

Conditions:
RASopathy. Also called: rasopathies; Noonan spectrum disorder. Identifiers: Orphanet 536391, MedGen C5555857, MONDO:0021060.

Allele frequency attached by ClinVar (database versions not stated): TOPMed below 0.00001.

Submissions (2):

Labcorp Genetics (formerly Invitae), Labcorp
Classification: Uncertain significance for RASopathy. Last evaluated: 2025-10-07. Review status: criteria provided, single submitter. Criteria: Invitae Variant Classification Sherloc (09022015). Collection method: clinical testing. Allele origin: germline.
Comment: This sequence change replaces lysine, which is basic and polar, with arginine, which is basic and polar, at codon 823 of the SOS1 protein (p.Lys823Arg). This variant is not present in population databases (gnomAD no frequency). This variant has not been reported in the literature in individuals affected with SOS1-related conditions. ClinVar contains an entry for this variant (Variation ID: 1518825). Invitae Evidence Modeling of protein sequence and biophysical properties (such as structural, functional, and spatial information, amino acid conservation, physicochemical variation, residue mobility, and thermodynamic stability) indicates that this missense variant is not expected to disrupt SOS1 protein function with a negative predictive value of 95%. In summary, the available evidence is currently insufficient to determine the role of this variant in disease. Therefore, it has been classified as a Variant of Uncertain Significance.

Blueprint Genetics
Classification: Uncertain significance. Last evaluated: 2022-04-04. Review status: criteria provided, single submitter. Criteria: ACMG Guidelines, 2015. Collection method: clinical testing. Allele origin: germline.

NM_005633.4(SOS1):c.2468A>G (p.Lys823Arg)

Gene: SOS1 (SOS Ras/Rac guanine nucleotide exchange factor 1; minus strand). Cytogenetic location: 2p22.1.
Variant type: single nucleotide variant.
Coding change: c.2468A>G on transcript NM_005633.4 (MANE Select); coding-DNA position 2468, A replaced by G.
Protein change: p.Lys823Arg; replaces lysine 823 with arginine.
Molecular consequence: missense variant.
Genome position (GRCh38, 1-based): chr2:39,010,626, T>C on the plus strand (A>G on the coding strand, the complement: SOS1 is on the minus strand). VCF-style: chr2-39010626-T-C. GRCh37 (hg19) VCF-style: chr2-39237767-T-C.
Other names: c.2447A>G, p.Lys816Arg (NM_001382394.1); c.2468A>G, p.Lys823Arg (NM_001382395.1); short protein forms K816R, K823R.
Identifiers: ClinVar variation 1518825 (VCV001518825.7), dbSNP rs1558467976, ClinGen allele CA346363793.
Genomic context (GRCh38, chr2:39,010,626, plus strand): 5'-AATGCTAGGAATACTTACTTCTCAAACCACAGAGTGAGGTTGGTGGTATGTCGAATCATT[T>C]TCAGAAGATTAGGAGAGTTAATTTCTTTGTCTTCTTTTGTCCACACACTTCCAACTAATT-3'
Protein context (NP_005624.2, residues 813-833): DKEINSPNLL[Lys823Arg]MIRHTTNLTL